The following is an entry in ClinVar:

NM_001276345.2(TNNT2):c.153C>G (p.Thr51=)

Gene: TNNT2 (troponin T2, cardiac type; minus strand). Cytogenetic location: 1q32.1.
Variant type: single nucleotide variant.
Coding change: c.153C>G on transcript NM_001276345.2 (MANE Select); coding-DNA position 153, C replaced by G.
Protein change: p.Thr51=; no amino-acid change (threonine 51 retained).
Molecular consequence: synonymous variant.
Genome position (GRCh38, 1-based): chr1:201,368,172, G>C on the plus strand (C>G on the coding strand, the complement: TNNT2 is on the minus strand). VCF-style: chr1-201368172-G-C. GRCh37 (hg19) VCF-style: chr1-201337300-G-C.
Other names: c.153C>G, p.Thr51= (NM_000364.4, NM_001276346.2); c.123C>G, p.Thr41= (NM_001001430.3, NM_001001431.3, NM_001276347.2); c.108C>G, p.Thr36= (NM_001001432.3).
Identifiers: ClinVar variation 512432 (VCV000512432.19), dbSNP rs1347127737, ClinGen allele CA422533269.

ClinVar aggregate classification (germline): Likely benign. Review status: criteria provided, multiple submitters, no conflicts (2 of 4 stars). 8 submissions from 6 submitters: Likely benign (8). Last evaluated 2025-11-05.

Conditions:
Cardiomyopathy (CMYO). Also called: Cardiomyopathies. Identifiers: Orphanet 167848, MedGen C0878544, MONDO:0004994, HP:0001638. Inheritance: Various modes of inheritance.
Cardiomyopathy, familial restrictive, 3. Identifiers: Orphanet 75249, MedGen C2676271, MONDO:0012900, OMIM 612422.
Hypertrophic cardiomyopathy 2. Also called: TNNT2-Related Familial Hypertrophic Cardiomyopathy. Identifiers: MedGen C1861864, MONDO:0007266, OMIM 115195.
Dilated cardiomyopathy 1D. Identifiers: Orphanet 154, Orphanet 54260, MedGen C1832243, MONDO:0011095, OMIM 601494.
Cardiovascular phenotype. Identifiers: MedGen CN230736.

Allele frequency attached by ClinVar (database versions not stated): gnomAD exomes below 0.00001; gnomAD 0.00001; TOPMed 0.00001.
gnomAD v4.1: 4 of 1,613,904 alleles (0.00025%); highest among the groups gnomAD compares: Non-Finnish European, 0.00034%; no homozygotes.

Submissions (8):

Labcorp Genetics (formerly Invitae), Labcorp
Classification: Likely benign for Cardiomyopathy, familial restrictive, 3; Hypertrophic cardiomyopathy 2; Dilated cardiomyopathy 1D. Last evaluated: 2025-11-05. Review status: criteria provided, single submitter. Criteria: Invitae Variant Classification Sherloc (09022015). Collection method: clinical testing. Allele origin: germline.

All of Us Research Program, National Institutes of Health
Classification: Likely benign for Cardiomyopathy. Last evaluated: 2024-01-11. Review status: criteria provided, single submitter. Criteria: ACMG Guidelines, 2015. Collection method: clinical testing. Allele origin: germline. Inheritance: Autosomal dominant inheritance. Observed: 6 variant alleles, 6 heterozygotes.
Comment: This study involves interpretation of variants in research participants for the purpose of population health screening. Participant phenotype was not available at the time of variant classification. Additional details can be found in publication PMID: 35346344, PMCID: PMC8962531

Genome-Nilou Lab
Classification: Likely benign for Dilated cardiomyopathy 1D. Last evaluated: 2023-04-11. Review status: criteria provided, single submitter. Criteria: ACMG Guidelines, 2015. Collection method: clinical testing. Allele origin: germline. Affected: no.

Genome-Nilou Lab
Classification: Likely benign for Cardiomyopathy, familial restrictive, 3. Last evaluated: 2023-04-11. Review status: criteria provided, single submitter. Criteria: ACMG Guidelines, 2015. Collection method: clinical testing. Allele origin: germline. Affected: no.

Genome-Nilou Lab
Classification: Likely benign for Hypertrophic cardiomyopathy 2. Last evaluated: 2023-04-11. Review status: criteria provided, single submitter. Criteria: ACMG Guidelines, 2015. Collection method: clinical testing. Allele origin: germline. Affected: no.

GeneDx
Classification: Likely benign. Last evaluated: 2019-10-09. Review status: criteria provided, single submitter. Criteria: GeneDx Variant Classification Process June 2021. Collection method: clinical testing. Allele origin: germline. Affected: yes.

Ambry Genetics
Classification: Likely benign for Cardiovascular phenotype. Last evaluated: 2019-07-26. Review status: criteria provided, single submitter. Criteria: Ambry Variant Classification Scheme 2023. Collection method: clinical testing. Allele origin: germline.

Color Diagnostics, LLC DBA Color Health
Classification: Likely benign for Cardiomyopathy. Last evaluated: 2019-04-14. Review status: criteria provided, single submitter. Criteria: ACMG Guidelines, 2015. Collection method: clinical testing. Allele origin: germline.